The following is an entry in ClinVar:

NM_001845.6(COL4A1):c.2647G>A (p.Val883Ile)

Gene: COL4A1 (collagen type IV alpha 1 chain; minus strand). Cytogenetic location: 13q34.
Variant type: single nucleotide variant.
Coding change: c.2647G>A on transcript NM_001845.6 (MANE Select); coding-DNA position 2647, G replaced by A.
Protein change: p.Val883Ile; replaces valine 883 with isoleucine.
Molecular consequence: missense variant.
Genome position (GRCh38, 1-based): chr13:110,177,911, C>T on the plus strand (G>A on the coding strand, the complement: COL4A1 is on the minus strand). VCF-style: chr13-110177911-C-T. GRCh37 (hg19) VCF-style: chr13-110830258-C-T.
Other names: p.Val883Ile; short protein forms V883I.
Identifiers: ClinVar variation 311051 (VCV000311051.23), dbSNP rs41275090, ClinGen allele CA7047522.
Genomic context (GRCh38, chr13:110,177,911, plus strand): 5'-CCGGTAATCCAGGAGCACCCACTGGTCCTGGTGAGCCCGGCTGCCCGGGGGTCCCCATGA[C>T]GCCCATTTCTCCCTTGGAACCTGTGGCCAAAGGAAAGGACTGTGAACATTTTCTTGCTCT-3'
Protein context (NP_001836.3, residues 873-893): GFPGSKGEMG[Val883Ile]MGTPGQPGSP

ClinVar aggregate classification (germline): Benign/Likely benign. Review status: criteria provided, multiple submitters, no conflicts (2 of 4 stars). 7 submissions from 6 submitters: Benign (6); Likely benign (1). Last evaluated 2026-02-03.

Conditions:
Brain small vessel disease 1 with or without ocular anomalies (BSVD1). Also called: BRAIN SMALL VESSEL DISEASE WITH HEMORRHAGE; GOULD SYNDROME 1; PORENCEPHALY, TYPE 1, AUTOSOMAL DOMINANT; Brain small vessel disease with or without ocular anomalies. Identifiers: Orphanet 2940, Orphanet 36383, Orphanet 99810, MedGen C4755307, MONDO:0008289, OMIM 175780.
Autosomal dominant familial hematuria-retinal arteriolar tortuosity-contractures syndrome. Also called: Angiopathy, hereditary, with nephropathy, aneurysms, and muscle cramps; Hereditary Angiopathy with Nephropathy, Aneurysms, and Muscle Cramps (HANAC) Syndrome. Identifiers: Orphanet 73229, MedGen C2673195, MONDO:0012726, OMIM 611773.

Allele frequency attached by ClinVar (database versions not stated): ESP Exome Variant Server 0.00062; gnomAD exomes 0.00138 and 0.00550; 1000 Genomes Project 0.00160; 1000 Genomes Project 30x 0.00172; gnomAD 0.00177 and 0.00180; TOPMed 0.00222; ExAC 0.00451.
gnomAD v4.1: 2,259 of 1,614,134 alleles (0.14%); highest among the groups gnomAD compares: Admixed American, 2.6%; 45 homozygotes.

Submissions (7):

Labcorp Genetics (formerly Invitae), Labcorp
Classification: Benign. Last evaluated: 2026-02-03. Review status: criteria provided, single submitter. Criteria: Invitae Variant Classification Sherloc (09022015). Collection method: clinical testing. Allele origin: germline.

Mayo Clinic Laboratories, Mayo Clinic
Classification: Benign. Last evaluated: 2024-10-10. Review status: criteria provided, single submitter. Criteria: ACMG Guidelines, 2015. Collection method: clinical testing. Allele origin: germline. Observed: 20 variant alleles.
Comment: BA1, BP4

Athena Diagnostics
Classification: Benign. Last evaluated: 2020-10-05. Review status: criteria provided, single submitter. Criteria: Athena Diagnostics criteria. Collection method: clinical testing. Allele origin: unknown.

GeneDx
Classification: Benign. Last evaluated: 2019-04-05. Review status: criteria provided, single submitter. Criteria: GeneDx Variant Classification Process June 2021. Collection method: clinical testing. Allele origin: germline. Affected: yes.

Illumina Laboratory Services, Illumina
Classification: Benign for Brain small vessel disease 1 with or without ocular anomalies. Last evaluated: 2018-01-13. Review status: criteria provided, single submitter. Criteria: ICSL Variant Classification Criteria 13 December 2019. Collection method: clinical testing. Allele origin: germline.
Comment: This variant was observed in the ICSL laboratory as part of a predisposition screen in an ostensibly healthy population. It had not been previously curated by ICSL or reported in the Human Gene Mutation Database (HGMD: prior to June 1st, 2018), and was therefore a candidate for classification through an automated scoring system. Utilizing variant allele frequency, disease prevalence and penetrance estimates, and inheritance mode, an automated score was calculated to assess if this variant is too frequent to cause the disease. Based on the score and internal cut-off values, a variant classified as benign is not then subjected to further curation. The score for this variant resulted in a classification of benign for this disease.

Illumina Laboratory Services, Illumina
Classification: Benign for Autosomal dominant familial hematuria-retinal arteriolar tortuosity-contractures syndrome. Last evaluated: 2018-01-13. Review status: criteria provided, single submitter. Criteria: ICSL Variant Classification Criteria 13 December 2019. Collection method: clinical testing. Allele origin: germline.
Comment: the same text as in the submission from Illumina Laboratory Services, Illumina above.

Breakthrough Genomics
Classification: Likely benign. Review status: criteria provided, single submitter. Criteria: ACMG Guidelines, 2015. Collection method: not provided. Allele origin: germline. Inheritance: Autosomal dominant inheritance. Affected: yes.

Literature cited by the submitters: PubMed 29602769 (cited by Athena Diagnostics).